The following is an entry in ClinVar:

NM_005685.4(GTF2IRD1):c.846C>T (p.Ser282=)

Gene: GTF2IRD1 (GTF2I repeat domain containing 1; plus strand). Cytogenetic location: 7q11.23.
Variant type: single nucleotide variant.
Coding change: c.846C>T on transcript NM_005685.4 (MANE Select); coding-DNA position 846, C replaced by T.
Protein change: p.Ser282=; no amino-acid change (serine 282 retained).
Molecular consequence: synonymous variant.
Genome position (GRCh38, 1-based): chr7:74,519,649, C>T. VCF-style: chr7-74519649-C-T. GRCh37 (hg19) VCF-style: chr7-73933979-C-T.
Other names: c.942C>T, p.Ser314= (NM_001199207.2); c.846C>T, p.Ser282= (NM_016328.3); c.942C>T (NM_001199207.1).
Identifiers: ClinVar variation 738617 (VCV000738617.6), dbSNP rs376496441, ClinGen allele CA4296626.

ClinVar aggregate classification (germline): Likely benign. Review status: criteria provided, single submitter (1 of 4 stars). 2 submissions from 2 submitters: Likely benign (1). 1 of the submissions does not count toward it. Last evaluated 2019-12-31.

Conditions:
GTF2IRD1-related disorder. Also called: GTF2IRD1-related condition.

Allele frequency attached by ClinVar (database versions not stated): TOPMed 0.00006; ESP Exome Variant Server 0.00008; gnomAD exomes 0.00017 and 0.00026; 1000 Genomes Project 0.00020; 1000 Genomes Project 30x 0.00031; ExAC 0.00032.
gnomAD v4.1: 253 of 1,609,798 alleles (0.016%); highest among the groups gnomAD compares: South Asian, 0.2%; 3 homozygotes.

Submissions (2):

Labcorp Genetics (formerly Invitae), Labcorp
Classification: Likely benign. Last evaluated: 2019-12-31. Review status: criteria provided, single submitter. Criteria: Invitae Variant Classification Sherloc (09022015). Collection method: clinical testing. Allele origin: germline.

PreventionGenetics, part of Exact Sciences
Classification: Likely benign for GTF2IRD1-related condition. Last evaluated: 2019-04-19. Review status: no assertion criteria provided. Collection method: clinical testing. Allele origin: germline. Not counted in ClinVar's aggregate classification.
Comment: This variant is classified as likely benign based on ACMG/AMP sequence variant interpretation guidelines (Richards et al. 2015 PMID: 25741868, with internal and published modifications).